The following is an entry in ClinVar:

ClinVar aggregate classification (germline): Likely benign. Review status: criteria provided, multiple submitters, no conflicts (2 of 4 stars). 2 submissions from 2 submitters: Likely benign (2). Last evaluated 2026-03-25.

Conditions:
PKD1-related disorder. Also called: PKD1-related condition.

gnomAD v4.1: 26 of 1,609,642 alleles (0.0016%); highest among the groups gnomAD compares: Admixed American, 0.0033%; no homozygotes.

Submissions (2):

PreventionGenetics, part of Exact Sciences
Classification: Likely benign for PKD1-related condition. Last evaluated: 2026-03-25. Review status: criteria provided, single submitter. Criteria: ACMG Guidelines, 2015. Collection method: clinical testing. Allele origin: germline.
Comment: This variant is classified as likely benign based on ACMG/AMP sequence variant interpretation guidelines (Richards et al. 2015 PMID: 25741868, with internal and published modifications).

Blueprint Genetics
Classification: Likely benign. Last evaluated: 2024-09-06. Review status: criteria provided, single submitter. Criteria: ACMG Guidelines, 2015. Collection method: clinical testing. Allele origin: germline.

NM_001009944.3(PKD1):c.5379C>T (p.Thr1793=)

Gene: PKD1 (polycystin 1, transient receptor potential channel interacting; minus strand). Cytogenetic location: 16p13.3.
Variant type: single nucleotide variant.
Coding change: c.5379C>T on transcript NM_001009944.3 (MANE Select); coding-DNA position 5379, C replaced by T.
Protein change: p.Thr1793=; no amino-acid change (threonine 1793 retained).
Molecular consequence: synonymous variant.
Genome position (GRCh38, 1-based): chr16:2,109,788, G>A on the plus strand (C>T on the coding strand, the complement: PKD1 is on the minus strand). VCF-style: chr16-2109788-G-A. GRCh37 (hg19) VCF-style: chr16-2159789-G-A.
Other names: c.5379C>T, p.Thr1793= (NM_000296.4).
Identifiers: ClinVar variation 4927843 (VCV004927843.2).